The following is an entry in ClinVar:

ClinVar aggregate classification (germline): Uncertain significance. Review status: reviewed by expert panel (3 of 4 stars). 10 submissions from 10 submitters: Uncertain significance (1). 9 of the submissions do not count toward it. Last evaluated 2021-03-22.

Conditions:
Dilated cardiomyopathy 1S (CMD1S). Identifiers: Orphanet 154, Orphanet 54260, MedGen C1834481, MONDO:0013262, OMIM 613426.
Congenital myopathy with fiber type disproportion. Also called: Congenital fiber-type disproportion myopathy; Congenital fiber-type disproportion. Identifiers: Orphanet 2020, MedGen C0546264, MONDO:0009711. Inheritance: all.
MYH7-related skeletal myopathy. Also called: Myopathy, distal, 1; MYOPATHY, DISTAL, EARLY-ONSET, AUTOSOMAL DOMINANT; MYOPATHY, LATE DISTAL HEREDITARY; Laing early-onset distal myopathy; Laing distal myopathy. Identifiers: Orphanet 59135, MedGen C4552004, MONDO:0008050, OMIM 160500.
Hypertrophic cardiomyopathy 1 (CMH1). Also called: MYH7-Related Familial Hypertrophic Cardiomyopathy; Familial hypertrophic cardiomyopathy 1. Identifiers: MedGen C3495498, MONDO:0008647, OMIM 192600.
Myosin storage myopathy (CMYO7A). Also called: Scapuloperoneal myopathy, MYH7-related; MYOPATHY WITH LYSIS OF TYPE I MYOFIBRILS; MYH7-related late-onset scapuloperoneal muscular dystrophy; Congenital myopathy 7A, myosin storage, autosomal dominant; SCAPULOPERONEAL MUSCULAR DYSTROPHY; SCAPULOPERONEAL SYNDROME, MYOPATHIC TYPE. Identifiers: Orphanet 437572, Orphanet 636965, MedGen C1842160, MONDO:0008409, OMIM 608358.
Myopathy, myosin storage, autosomal recessive (CMYO7B). Also called: CONGENITAL MYOPATHY 7B, MYOSIN STORAGE, AUTOSOMAL RECESSIVE. Identifiers: Orphanet 636970, MedGen C1850709, MONDO:0009708, OMIM 255160.
Cardiovascular phenotype. Identifiers: MedGen CN230736.
Cardiomyopathy (CMYO). Also called: Cardiomyopathies. Identifiers: Orphanet 167848, MedGen C0878544, MONDO:0004994, HP:0001638. Inheritance: Various modes of inheritance.
Primary familial hypertrophic cardiomyopathy (HCM). Identifiers: Orphanet 99739, MedGen C0949658, MeSH D024741, MONDO:0024573. Inheritance: Various modes of inheritance.
Hypertrophic cardiomyopathy. Also called: HYPERTROPHIC MYOCARDIOPATHY. Identifiers: Orphanet 217569, MedGen C0007194, MeSH D002312, MONDO:0005045, HP:0001639.

Allele frequency attached by ClinVar (database versions not stated): TOPMed 0.00001; gnomAD 0.00002; gnomAD exomes 0.00002 and 0.00004; ExAC 0.00003; ESP Exome Variant Server 0.00008.
gnomAD v4.1: 28 of 1,614,042 alleles (0.0017%); highest among the groups gnomAD compares: South Asian, 0.0055%; no homozygotes.

Submissions (10):

ClinGen Cardiomyopathy Variant Curation Expert Panel
Classification: Uncertain significance for Hypertrophic cardiomyopathy. Last evaluated: 2021-03-22. Review status: reviewed by expert panel. Criteria: ClinGen CMP ACMG Specifications v1. Collection method: curation. Allele origin: germline. Inheritance: Autosomal dominant inheritance.
Comment: The c.5422G>A (p.Gly1808Ser) variant in MYH7 has been reported in 3 individuals with HCM (Marsiglia 2013 PMID:24093860; Homburger 2016 PMID:27247418; Invitae pers. comm.), 1 individual with unspecified cardiomyopathy (Invitae pers. comm.) and in 1 individual with sudden cardiac death (Campuzano 2017 PMID:28255936). This variant has also been identified in 0.0045% (FAF 95% CI, 4/30616) of South Asian chromosomes in gnomAD v2.1.1. Since the MYH7 specifications state that PS4 is only applicable if the variant is absent or rare in large population studies, the PS4 criterion was not applied (Kelly 2018 PMID:29300372). Computational prediction tools and conservation analysis do not provide strong support for or against an impact to the protein. In summary, due to a lack of sufficient evidence, this variant meets criteria to be classified as uncertain significance for hypertrophic cardiomyopathy in an autosomal dominant manner. MYH7-specific ACMG/AMP criteria applied (Kelly 2018 PMID:29300372): None.

Labcorp Genetics (formerly Invitae), Labcorp
Classification: Likely pathogenic for Hypertrophic cardiomyopathy. Last evaluated: 2025-04-23. Review status: criteria provided, single submitter. Criteria: Invitae Variant Classification Sherloc (09022015). Collection method: clinical testing. Allele origin: germline. Not counted in ClinVar's aggregate classification.
Comment: This sequence change replaces glycine, which is neutral and non-polar, with serine, which is neutral and polar, at codon 1808 of the MYH7 protein (p.Gly1808Ser). This variant is present in population databases (rs369940645, gnomAD 0.01%). This missense change has been observed in individuals with dilated cardiomyopathy and/or hypertrophic cardiomyopathy (PMID: 19412328, 24093860, 27247418, 34542152; internal data). ClinVar contains an entry for this variant (Variation ID: 217468). Invitae Evidence Modeling of protein sequence and biophysical properties (such as structural, functional, and spatial information, amino acid conservation, physicochemical variation, residue mobility, and thermodynamic stability) indicates that this missense variant is expected to disrupt MYH7 protein function with a positive predictive value of 95%. In summary, the currently available evidence indicates that the variant is pathogenic, but additional data are needed to prove that conclusively. Therefore, this variant has been classified as Likely Pathogenic.

Ambry Genetics
Classification: Uncertain significance for Cardiovascular phenotype. Last evaluated: 2025-03-12. Review status: criteria provided, single submitter. Criteria: Ambry Variant Classification Scheme 2023. Collection method: clinical testing. Allele origin: germline. Not counted in ClinVar's aggregate classification.
Comment: The p.G1808S variant (also known as c.5422G>A), located in coding exon 35 of the MYH7 gene, results from a G to A substitution at nucleotide position 5422. The glycine at codon 1808 is replaced by serine, an amino acid with similar properties. This variant has been detected in hypertrophic cardiomyopathy and sudden death cohorts; however, details were limited (Marsiglia JD et al. Am Heart J, 2013 Oct;166:775-82; Homburger JR et al. Proc Natl Acad Sci U S A, 2016 06;113:6701-6; Campuzano O et al. Sports Med, 2017 Oct;47:2101-2115). This amino acid position is highly conserved in available vertebrate species. In addition, the in silico prediction for this alteration is inconclusive. Since supporting evidence is limited at this time, the clinical significance of this alteration remains unclear.

Color Diagnostics, LLC DBA Color Health
Classification: Uncertain significance for Cardiomyopathy. Last evaluated: 2024-03-22. Review status: criteria provided, single submitter. Criteria: ACMG Guidelines, 2015. Collection method: clinical testing. Allele origin: germline. Not counted in ClinVar's aggregate classification.
Comment: This missense variant replaces glycine with serine at codon 1808 of the MYH7 protein. Computational prediction tools indicate that this variant's impact on protein structure and function is inconclusive. To our knowledge, functional studies have not been reported for this variant. This variant has been reported in two individuals affected with hypertrophic cardiomyopathy (PMID: 24093860, 27247418, 30297972, 34542152; ClinVar SCV001842659.1) and in one individual affected with sudden unexplained death (PMID: 28255936). This variant has also been identified in 9/251466 chromosomes in the general population by the Genome Aggregation Database (gnomAD). The available evidence is insufficient to determine the role of this variant in disease conclusively. Therefore, this variant is classified as a Variant of Uncertain Significance.

Women's Health and Genetics/Laboratory Corporation of America, LabCorp
Classification: Likely pathogenic for Primary familial hypertrophic cardiomyopathy. Last evaluated: 2023-07-14. Review status: criteria provided, single submitter. Criteria: LabCorp Variant Classification Summary - May 2015. Collection method: clinical testing. Allele origin: germline. Not counted in ClinVar's aggregate classification.
Comment: Variant summary: MYH7 c.5422G>A (p.Gly1808Ser) results in a non-conservative amino acid change located in the Myosin tail domain (IPR002928) of the encoded protein sequence. Four of five in-silico tools predict a damaging effect of the variant on protein function. The variant allele was found at a frequency of 3.6e-05 in 251466 control chromosomes. However, the possibility of sub-clinical and/or overt disease in this cohort cannot be entirely excluded, therefore these occurrences do not allow for reliable conclusions regarding variant significance. c.5422G>A has been reported in the literature in cohorts of individuals affected with Hypertrophic Cardiomyopathy or Sudden Cardiac Death (example, Marsiglia_2013, Homburger_2016, Ho_2018, Campuzano_2017, Thauvin-Robert_2019, Park_2021). These data indicate that the variant is likely to be associated with disease. To our knowledge, no experimental evidence demonstrating an impact on protein function has been reported. The following publications have been ascertained in the context of this evaluation (PMID: 28255936, 30297972, 27247418, 24093860, 34542152, 31019283). Seven submitters have cited clinical-significance assessments for this variant to ClinVar after 2014. Multiple submitters reported the variant with conflicting assessments citing overlapping evidence utilized in the context of this evaluation (VUS, n=5; LP, n=2). Based on the evidence outlined above, the variant was classified as likely pathogenic.

Fulgent Genetics
Classification: Uncertain significance for MYH7-related skeletal myopathy; Myosin storage myopathy; Hypertrophic cardiomyopathy 1; Myopathy, myosin storage, autosomal recessive; Congenital myopathy 4A, autosomal dominant; Dilated cardiomyopathy 1S. Last evaluated: 2022-04-07. Review status: criteria provided, single submitter. Criteria: ACMG Guidelines, 2015. Collection method: clinical testing. Allele origin: unknown. Not counted in ClinVar's aggregate classification.

Blueprint Genetics
Classification: Uncertain significance. Last evaluated: 2021-11-08. Review status: criteria provided, single submitter. Criteria: ACMG Guidelines, 2015. Collection method: clinical testing. Allele origin: germline. Not counted in ClinVar's aggregate classification.

GeneDx
Classification: Uncertain significance. Last evaluated: 2021-06-15. Review status: criteria provided, single submitter. Criteria: GeneDx Variant Classification Process June 2021. Collection method: clinical testing. Allele origin: germline. Affected: yes. Not counted in ClinVar's aggregate classification.
Comment: Identified in patients with hypertrophic cardiomyopathy (HCM) and sudden cardiac death (SCD) in the published literature (Marsiglia et al., 2013; Homburger et al., 2016; Campuzano et al., 2017); In silico analysis supports that this missense variant has a deleterious effect on protein structure/function; Reported in ClinVar but additional evidence is not available (ClinVar Variant ID#217468; Landrum et al., 2016); This variant is associated with the following publications: (PMID: 24093860, 27247418, 28255936, 31019283, 27535533)

Equipe Genetique des Anomalies du Developpement, Université de Bourgogne
Classification: Likely pathogenic for Hypertrophic cardiomyopathy 1. Last evaluated: 2018-11-21. Review status: criteria provided, single submitter. Criteria: ACMG Guidelines, 2015. Collection method: clinical testing. Allele origin: unknown. Not counted in ClinVar's aggregate classification.

Laboratory of Genetics and Molecular Cardiology, University of São Paulo
Classification: Likely pathogenic for Hypertrophic cardiomyopathy 1. Review status: criteria provided, single submitter. Criteria: LGCM Criteria August 2015. Collection method: clinical testing. Allele origin: germline. Inheritance: Autosomal dominant inheritance. Affected: yes. Observed: 1 variant allele. Study: Sarcomeric Human Cardiomyopathy Registry (ShaRe). Not counted in ClinVar's aggregate classification.

Literature cited by the submitters: PubMed 19412328 (cited by Labcorp Genetics (formerly Invitae), Labcorp and Ambry Genetics); PubMed 24093860 (cited by 4 submitters); PubMed 27247418 (cited by 4 submitters); PubMed 34542152 (cited by 3 submitters); PubMed 28255936 (cited by 3 submitters); PubMed 31019283 (cited by Ambry Genetics and Women's Health and Genetics/Laboratory Corporation of America, LabCorp); PubMed 30297972 (cited by Color Diagnostics, LLC DBA Color Health and Women's Health and Genetics/Laboratory Corporation of America, LabCorp).

NM_000257.4(MYH7):c.5422G>A (p.Gly1808Ser)

Gene: MYH7 (myosin heavy chain 7; minus strand). Cytogenetic location: 14q11.2.
Variant type: single nucleotide variant.
Coding change: c.5422G>A on transcript NM_000257.4 (MANE Select); coding-DNA position 5422, G replaced by A.
Protein change: p.Gly1808Ser; replaces glycine 1808 with serine.
Molecular consequence: missense variant.
Genome position (GRCh38, 1-based): chr14:23,415,132, C>T on the plus strand (G>A on the coding strand, the complement: MYH7 is on the minus strand). VCF-style: chr14-23415132-C-T. GRCh37 (hg19) VCF-style: chr14-23884341-C-T.
Other names: NM_000257.4(MYH7):c.5422G>A; p.Gly1808Ser; short protein forms G1808S.
Identifiers: ClinVar variation 217468 (VCV000217468.22), dbSNP rs369940645, ClinGen allele CA046762.